The following is an entry in ClinVar:

NM_000143.4(FH):c.547A>G (p.Lys183Glu)

Gene: FH (fumarate hydratase; minus strand). Cytogenetic location: 1q43.
Variant type: single nucleotide variant.
Coding change: c.547A>G on transcript NM_000143.4 (MANE Select); coding-DNA position 547, A replaced by G.
Protein change: p.Lys183Glu; replaces lysine 183 with glutamic acid.
Molecular consequence: missense variant.
Genome position (GRCh38, 1-based): chr1:241,511,975, T>C on the plus strand (A>G on the coding strand, the complement: FH is on the minus strand). VCF-style: chr1-241511975-T-C. GRCh37 (hg19) VCF-style: chr1-241675275-T-C.
Other names: c.547A>G (NM_000143.3); short protein forms K183E.
Identifiers: ClinVar variation 1441050 (VCV001441050.11), dbSNP rs2147921763, ClinGen allele CA345439849.
Genomic context (GRCh38, chr1:241,511,975, plus strand): 5'-CAGGTATGCTTTTCAATTTATAACCAAAAAACAGCAAAGCTCACATACTGACCTGGCTTT[T>C]ATTAACATGATCGTTGGGATGCACAGGTATCTTGCTGCCAAGTTCACCTCCTAACATTTC-3'
Protein context (NP_000134.2, residues 173-193): IPVHPNDHVN[Lys183Glu]SQSSNDTFPT

ClinVar aggregate classification (germline): Uncertain significance. Review status: criteria provided, multiple submitters, no conflicts (2 of 4 stars). 3 submissions from 3 submitters: Uncertain significance (3). Last evaluated 2026-03-06.

Conditions:
Hereditary cancer-predisposing syndrome. Also called: Neoplastic Syndromes, Hereditary; Tumor predisposition; Hereditary Cancer Syndrome; Hereditary neoplastic syndrome. Identifiers: Orphanet 140162, MedGen C0027672, MeSH D009386, MONDO:0015356.

Submissions (3):

Ambry Genetics
Classification: Uncertain significance for Hereditary cancer-predisposing syndrome. Last evaluated: 2026-03-06. Review status: criteria provided, single submitter. Criteria: Ambry Variant Classification Scheme 2023. Collection method: clinical testing. Allele origin: germline.
Comment: The p.K183E variant (also known as c.547A>G), located in coding exon 4 of the FH gene, results from an A to G substitution at nucleotide position 547. The lysine at codon 183 is replaced by glutamic acid, an amino acid with similar properties. This amino acid position is highly conserved in available vertebrate species. In addition, this alteration is predicted to be deleterious by in silico analysis. Based on the available evidence, the clinical significance of this variant remains unclear.

Labcorp Genetics (formerly Invitae), Labcorp
Classification: Uncertain significance. Last evaluated: 2025-09-14. Review status: criteria provided, single submitter. Criteria: Invitae Variant Classification Sherloc (09022015). Collection method: clinical testing. Allele origin: germline.
Comment: This sequence change replaces lysine, which is basic and polar, with glutamic acid, which is acidic and polar, at codon 183 of the FH protein (p.Lys183Glu). This variant is not present in population databases (gnomAD no frequency). This variant has not been reported in the literature in individuals affected with FH-related conditions. ClinVar contains an entry for this variant (Variation ID: 1441050). Invitae Evidence Modeling of protein sequence and biophysical properties (such as structural, functional, and spatial information, amino acid conservation, physicochemical variation, residue mobility, and thermodynamic stability) indicates that this missense variant is expected to disrupt FH protein function with a positive predictive value of 95%. In summary, the available evidence is currently insufficient to determine the role of this variant in disease. Therefore, it has been classified as a Variant of Uncertain Significance.

Quest Diagnostics Nichols Institute San Juan Capistrano
Classification: Uncertain significance. Last evaluated: 2023-05-07. Review status: criteria provided, single submitter. Criteria: Quest Diagnostics criteria. Collection method: clinical testing. Allele origin: unknown.
Comment: The variant has not been reported in individuals with FH-related conditions in the published literature. It also has not been reported in large, multi-ethnic general populations. Analysis of this variant using bioinformatics tools for the prediction of the effect of amino acid changes on protein structure and function yielded predictions that this variant is damaging. Based on the available information, we are unable to determine the clinical significance of this variant.